The following is an entry in ClinVar:

ClinVar aggregate classification (germline): Uncertain significance (1 of 4 stars; one submission).

Conditions:
Combined oxidative phosphorylation defect type 17. Also called: Combined oxidative phosphorylation deficiency 17. Identifiers: Orphanet 369913, MedGen C3809526, MONDO:0014190, OMIM 615440.

Submission:

Labcorp Genetics (formerly Invitae), Labcorp
Classification: Uncertain significance for Combined oxidative phosphorylation defect type 17. Last evaluated: 2021-08-19. Review status: criteria provided, single submitter. Criteria: Invitae Variant Classification Sherloc (09022015). Collection method: clinical testing. Allele origin: germline.
Comment: In summary, the available evidence is currently insufficient to determine the role of this variant in disease. Therefore, it has been classified as a Variant of Uncertain Significance. Experimental studies and prediction algorithms are not available or were not evaluated, and the functional significance of this variant is currently unknown. This variant has not been reported in the literature in individuals affected with ELAC2-related conditions. This variant is not present in population databases (ExAC no frequency). This sequence change results in a frameshift in the ELAC2 gene (p.Glu804Argfs*53). While this is not anticipated to result in nonsense mediated decay, it is expected to disrupt the last 23 amino acid(s) of the ELAC2 protein and extend the protein by 29 additional amino acid residues.

NM_018127.7(ELAC2):c.2410del (p.Glu804fs)

Gene: ELAC2 (elaC ribonuclease Z 2; minus strand). Cytogenetic location: 17p12.
Variant type: Deletion.
Coding change: c.2410del on transcript NM_018127.7 (MANE Select); coding-DNA position 2410, one base deleted (G; older notation c.2410delG).
Protein change: p.Glu804fs; shifts the reading frame from glutamic acid 804.
Molecular consequence: frameshift variant.
Genome position (GRCh38, 1-based): chr17:12,992,889, C deleted on the plus strand (G on the coding strand, the reverse complement: ELAC2 is on the minus strand); the first of 2 consecutive C bases (chr17:12,992,889-12,992,890); deleting either gives the same sequence. VCF-style (leftmost placement, unchanged base first): chr17-12992888-TC-T. GRCh37 (hg19) VCF-style: chr17-12896205-TC-T.
Other names: c.2290del, p.Glu764fs (NM_001165962.2); c.2407del, p.Glu803fs (NM_173717.2); short protein forms E804fs, E764fs, E803fs.
Identifiers: ClinVar variation 1376313 (VCV001376313.6), dbSNP rs2143539521, ClinGen allele CA2573153038.